The following is an entry in ClinVar:

NM_001379500.1(COL18A1):c.107-12108T>G

Gene: COL18A1 (collagen type XVIII alpha 1 chain; plus strand). Cytogenetic location: 21q22.3.
Variant type: single nucleotide variant.
Coding change: c.107-12108T>G on transcript NM_001379500.1 (MANE Select); 12108 bases into the intron before coding-DNA position 107, T replaced by G.
Molecular consequence: intron variant. On other transcripts: missense variant (2).
Genome position (GRCh38, 1-based): chr21:45,456,134, T>G. VCF-style: chr21-45456134-T-G. GRCh37 (hg19) VCF-style: chr21-46876048-T-G.
Other names: c.604T>G, p.Trp202Gly (NM_030582.4, NM_130444.3); short protein forms W202G.
Identifiers: ClinVar variation 1506098 (VCV001506098.6), dbSNP rs2145853041, ClinGen allele CA410506441.
Genomic context (GRCh38, chr21:45,456,134, plus strand): 5'-ACAACCGAGGCTGGCACCTTGCCTGCACCCACCCCATCGCCTCCCTCCCTGGGCAGGCCC[T>G]GGGCACCACTCACGGGGCCCTCAGTGCCACCACCATCTTCAGGTAGAGCTTCTCTCTCCT-3'

ClinVar aggregate classification (germline): Uncertain significance (1 of 4 stars; one submission).

Submission:

Labcorp Genetics (formerly Invitae), Labcorp
Classification: Uncertain significance. Last evaluated: 2021-01-31. Review status: criteria provided, single submitter. Criteria: Invitae Variant Classification Sherloc (09022015). Collection method: clinical testing. Allele origin: germline.
Comment: In summary, the available evidence is currently insufficient to determine the role of this variant in disease. Therefore, it has been classified as a Variant of Uncertain Significance. Experimental studies and prediction algorithms are not available or were not evaluated, and the functional significance of this variant is currently unknown. This variant has not been reported in the literature in individuals with COL18A1-related conditions. This variant is not present in population databases (ExAC no frequency). This sequence change replaces tryptophan with glycine at codon 202 of the COL18A1 protein (p.Trp202Gly). The COL18A1 gene has multiple clinically relevant transcripts. This variant occurs in alternate transcript NM_030582.3, and corresponds to NM_130445.2:c.107-12108T>G in the primary transcript.